The following is an entry in ClinVar:

GRCh38/hg38 17p11.2(chr17:20935766-21621469)x1

Genes: MAP2K3 (mitogen-activated protein kinase kinase 3; plus strand), NATD1 (N-acetyltransferase domain containing 1; minus strand), TMEM11 (transmembrane protein 11; minus strand), TMEM11-DT (TMEM11 divergent transcript; plus strand), USP22 (ubiquitin specific peptidase 22; minus strand) and 29 more. Cytogenetic location: 17p11.2.
Variant type: copy number loss.
Change: copy number 1 (one copy instead of two) of chr17:20,935,766-21,621,469 (685.7 kb, GRCh38 coordinates, 1-based), cytogenetic band 17p11.2.
Identifiers: ClinVar variation 57506 (VCV000057506.1).

ClinVar aggregate classification (germline): Uncertain significance (1 of 4 stars; one submission).

Submission:

ISCA site 4
Classification: Uncertain significance. Last evaluated: 2011-08-12. Review status: criteria provided, single submitter. Criteria: Kaminsky et al. (Genet Med. 2011). Collection method: clinical testing. Allele origin: unknown. Affected: yes. Observed: 1 variant allele.
Comment: Copy number variation identified through the course of routine clinical cytogenomic testing in postnatal populations. Clinical assertions have been curated as described in Kaminsky et al. 2011.